The following is an entry in ClinVar:

ClinVar aggregate classification (germline): Uncertain significance (1 of 4 stars; one submission).

Submission:

Labcorp Genetics (formerly Invitae), Labcorp
Classification: Uncertain significance. Last evaluated: 2024-11-21. Review status: criteria provided, single submitter. Criteria: Invitae Variant Classification Sherloc (09022015). Collection method: clinical testing. Allele origin: germline.
Comment: This sequence change replaces threonine, which is neutral and polar, with isoleucine, which is neutral and non-polar, at codon 158 of the APOA5 protein (p.Thr158Ile). This variant is not present in population databases (gnomAD no frequency). This variant has not been reported in the literature in individuals affected with APOA5-related conditions. An algorithm developed to predict the effect of missense changes on protein structure and function (PolyPhen-2) suggests that this variant is likely to be disruptive. In summary, the available evidence is currently insufficient to determine the role of this variant in disease. Therefore, it has been classified as a Variant of Uncertain Significance.

NM_001371904.1(APOA5):c.473C>T (p.Thr158Ile)

Gene: APOA5 (apolipoprotein A5; minus strand). Cytogenetic location: 11q23.3.
Variant type: single nucleotide variant.
Coding change: c.473C>T on transcript NM_001371904.1 (MANE Select); coding-DNA position 473, C replaced by T.
Protein change: p.Thr158Ile; replaces threonine 158 with isoleucine.
Molecular consequence: missense variant.
Genome position (GRCh38, 1-based): chr11:116,790,756, G>A on the plus strand (C>T on the coding strand, the complement: APOA5 is on the minus strand). VCF-style: chr11-116790756-G-A. GRCh37 (hg19) VCF-style: chr11-116661472-G-A.
Other names: c.473C>T, p.Thr158Ile (NM_001166598.2, NM_052968.5); short protein forms T158I.
Identifiers: ClinVar variation 3674885 (VCV003674885.2).